The following is an entry in ClinVar:

ClinVar aggregate classification (germline): Pathogenic (1 of 4 stars; one submission).

Submission:

GeneDx
Classification: Pathogenic. Last evaluated: 2016-02-04. Review status: criteria provided, single submitter. Criteria: GeneDx Variant Classification (06012015). Collection method: clinical testing. Allele origin: germline. Affected: yes.
Comment: The I1357S pathogenic variant in the CACNA1A gene has not been reported previously as a pathogenic variant nor as a benign variant, to our knowledge. The I1357S variant was not observed in approximately 6000 individuals of European and African American ancestry in the NHLBI Exome Sequencing Project, indicating it is not a common benign variant in these populations. The I1357S variant is a non-conservative amino acid substitution, which is likely to impact secondary protein structure as these residues differ in polarity, charge, size and/or other properties. This substitution occurs at a position that is conserved across species. In silico analysis predicts this variant is probably damaging to the protein structure/function. Missense variants in nearby residues (R1349Q, V1350L, R1359W, F1367L) have been reported in the Human Gene Mutation Database in association with CACNA1A-related disorders (Stenson et al., 2014), supporting the functional importance of this region of the protein. We interpret I1357S as a pathogenic variant.

NM_001127222.2(CACNA1A):c.4067T>G (p.Ile1356Ser)

Gene: CACNA1A (calcium voltage-gated channel subunit alpha1 A; minus strand). Cytogenetic location: 19p13.13.
Variant type: single nucleotide variant.
Coding change: c.4067T>G on transcript NM_001127222.2 (MANE Select); coding-DNA position 4067, T replaced by G.
Protein change: p.Ile1356Ser; replaces isoleucine 1356 with serine.
Molecular consequence: missense variant.
Genome position (GRCh38, 1-based): chr19:13,262,756, A>C on the plus strand (T>G on the coding strand, the complement: CACNA1A is on the minus strand). VCF-style: chr19-13262756-A-C. GRCh37 (hg19) VCF-style: chr19-13373570-A-C.
Other names: c.4079T>G, p.Ile1360Ser (NM_000068.4, NM_023035.3); c.4070T>G, p.Ile1357Ser (NM_001127221.2, NM_001174080.2); short protein forms I1357S, I1360S, I1356S.
Identifiers: ClinVar variation 280312 (VCV000280312.2), dbSNP rs886041541, ClinGen allele CA10603627.